The following is an entry in ClinVar:

NM_006017.3(PROM1):c.1414_1415insTCC (p.Thr471_Arg472insLeu)

Gene: PROM1 (prominin 1; minus strand). Cytogenetic location: 4p15.32.
Variant type: Insertion.
Coding change: c.1414_1415insTCC on transcript NM_006017.3 (MANE Select); coding-DNA positions 1414 to 1415, TCC inserted.
Protein change: p.Thr471_Arg472insLeu.
Molecular consequence: inframe insertion.
Genome position: GRCh38 VCF-style: chr4-16006577-C-CGGA. GRCh37 (hg19) VCF-style: chr4-16008200-C-CGGA.
Other names: c.1387_1388insTCC, p.Thr462_Arg463insLeu (NM_001145847.2, NM_001145848.2, NM_001145851.2 and 4 more transcripts); c.1414_1415insTCC, p.Thr471_Arg472insLeu (NM_001145849.2, NM_001145850.2).
Identifiers: ClinVar variation 2100539 (VCV002100539.4), dbSNP rs2530100256, ClinGen allele CA2580070890.

ClinVar aggregate classification (germline): Uncertain significance (1 of 4 stars; one submission).

Submission:

Labcorp Genetics (formerly Invitae), Labcorp
Classification: Uncertain significance. Last evaluated: 2022-02-20. Review status: criteria provided, single submitter. Criteria: Invitae Variant Classification Sherloc (09022015). Collection method: clinical testing. Allele origin: germline.
Comment: In summary, the available evidence is currently insufficient to determine the role of this variant in disease. Therefore, it has been classified as a Variant of Uncertain Significance. Experimental studies and prediction algorithms are not available or were not evaluated, and the functional significance of this variant is currently unknown. This variant has not been reported in the literature in individuals affected with PROM1-related conditions. This variant is not present in population databases (gnomAD no frequency). This variant, c.1414_1415insTCC, results in the insertion of 1 amino acid(s) of the PROM1 protein (p.Thr471_Arg472insLeu), but otherwise preserves the integrity of the reading frame.